The following is an entry in ClinVar:

ClinVar aggregate classification (germline): Uncertain significance (1 of 4 stars; one submission).

Submission:

Labcorp Genetics (formerly Invitae), Labcorp
Classification: Uncertain significance. Last evaluated: 2026-01-13. Review status: criteria provided, single submitter. Criteria: Invitae Variant Classification Sherloc (09022015). Collection method: clinical testing. Allele origin: germline.
Comment: This variant, c.3000_3008del, results in the deletion of 3 amino acid(s) of the COL17A1 protein (p.Pro1003_Gly1005del), but otherwise preserves the integrity of the reading frame. This variant is present in population databases (rs753169679, gnomAD 0.2%). This variant has not been reported in the literature in individuals affected with COL17A1-related conditions. Experimental studies and prediction algorithms are not available or were not evaluated, and the functional significance of this variant is currently unknown. In summary, the available evidence is currently insufficient to determine the role of this variant in disease. Therefore, it has been classified as a Variant of Uncertain Significance.

NM_000494.4(COL17A1):c.2991CCCTGGGCC[1] (p.994PPG[3])

Gene: COL17A1 (collagen type XVII alpha 1 chain; minus strand). Cytogenetic location: 10q25.1.
Variant type: Microsatellite.
Coding change: c.2991CCCTGGGCC[1] on transcript NM_000494.4 (MANE Select); one copy of the 9-base unit CCCTGGGCC starting at c.2991; the reference has two copies in a row; one copy, 9 bases deleted.
Protein change: p.994PPG[3].
Molecular consequence: inframe deletion.
Genome position (GRCh38, 1-based): chr10:104,038,468-104,038,476, GGCCCAGGG deleted on the plus strand (CCCTGGGCC on the coding strand, the reverse complement: COL17A1 is on the minus strand); deleting any 9 consecutive bases within chr10:104,038,468-104,038,490 gives the same sequence; the position shown is the placement nearest the transcript's 3' end. VCF-style (leftmost placement, unchanged base first): chr10-104038467-AGGCCCAGGG-A. GRCh37 (hg19) VCF-style: chr10-105798225-AGGCCCAGGG-A.
Identifiers: ClinVar variation 1502006 (VCV001502006.7), dbSNP rs753169679, ClinGen allele CA5678136.